The following is an entry in ClinVar:

NM_130839.5(UBE3A):c.1791_1801delinsAAGATTCTTTTGAAA (p.Trp597_Ser601delinsTer)

Genes: SNHG14 (small nucleolar RNA host gene 14; plus strand), UBE3A (ubiquitin protein ligase E3A; minus strand). Cytogenetic location: 15q11.2.
Variant type: Indel.
Coding change: c.1791_1801delinsAAGATTCTTTTGAAA on transcript NM_130839.5 (MANE Select); coding-DNA positions 1791 to 1801, GTTTAATCCAT replaced by AAGATTCTTTTGAAA.
Protein change: p.Trp597_Ser601delinsTer.
Molecular consequence: nonsense. On other transcripts: non-coding transcript variant (1).
Genome position (GRCh38, 1-based): chr15:25,356,849-25,356,859, ATGGATTAAAC replaced by TTTCAAAAGAATCTT on the plus strand (GTTTAATCCAT replaced by AAGATTCTTTTGAAA on the coding strand, the reverse complement: UBE3A is on the minus strand). VCF-style: chr15-25356849-ATGGATTAAAC-TTTCAAAAGAATCTT. GRCh37 (hg19) VCF-style: chr15-25601996-ATGGATTAAAC-TTTCAAAAGAATCTT.
Other names: c.1800_1810delinsAAGATTCTTTTGAAA, p.Trp600_Ser604delinsTer (NM_000462.5); c.1791_1801delinsAAGATTCTTTTGAAA, p.Trp597_Ser601delinsTer (NM_001354505.1, NM_001354538.2, NM_001354545.2); c.1731_1741delinsAAGATTCTTTTGAAA, p.Trp577_Ser581delinsTer (NM_001354506.2, NM_001354507.2, NM_001354508.2 and 17 more transcripts); c.1614_1624delinsAAGATTCTTTTGAAA, p.Trp538_Ser542delinsTer (NM_001354546.2); c.540_550delinsAAGATTCTTTTGAAA, p.Trp180_Ser184delinsTer (NM_001354550.2); c.480_490delinsAAGATTCTTTTGAAA, p.Trp160_Ser164delinsTer (NM_001354551.2).
Identifiers: ClinVar variation 2664157 (VCV002664157.1), dbSNP rs2552187404, ClinGen allele CA2695197207.

ClinVar aggregate classification (germline): Likely pathogenic (1 of 4 stars; one submission).

Conditions:
Angelman syndrome (AS). Also called: HAPPY PUPPET SYNDROME. Identifiers: Orphanet 72, MedGen C0162635, MONDO:0007113, OMIM 105830. Disease mechanism: loss of function. Inheritance: AS is caused by disruption of maternally imprinted UBE3A located within the 15q11.2-q13 Angelman syndrome/Prader-Willi syndrome (AS/PWS) region., imprinting disorder.

Submission:

Diagnostics Services (NGS), CSIR - Centre For Cellular And Molecular Biology
Classification: Likely pathogenic for Angelman syndrome. Last evaluated: 2023-11-06. Review status: criteria provided, single submitter. Criteria: ACMG Guidelines, 2015. Collection method: clinical testing. Allele origin: unknown. Affected: yes. Observed: 1 variant allele, 1 heterozygote.
Comment: The c.1791_1801delinsAAGATTCTTTTGAAA variant is not present in publicly available population databases like 1000 Genomes, EVS, ExAC, gnomAD, Indian Exome Database or our in-house exome database. This variant has neither been published in literature with UBE3A-related conditions nor reported to the clinical databases like Human Genome Mutation Database (HGMD), ClinVar or OMIM, in any affected individuals. In-silico pathogenicity prediction programs like MutationTaster2, CADD, Varsome, Franklin etc predicted this variant to be likely deleterious. This variant creates a premature translational stop codon at the 597th position of the altered transcript that may either result in translation of a truncated protein or cause nonsense mediated decay of the mRNA.